The following is an entry in ClinVar:

NM_000283.4(PDE6B):c.1568T>G (p.Met523Arg)

Gene: PDE6B (phosphodiesterase 6B; plus strand). Cytogenetic location: 4p16.3.
Variant type: single nucleotide variant.
Coding change: c.1568T>G on transcript NM_000283.4 (MANE Select); coding-DNA position 1568, T replaced by G.
Protein change: p.Met523Arg; replaces methionine 523 with arginine.
Molecular consequence: missense variant.
Genome position (GRCh38, 1-based): chr4:660,567, T>G. VCF-style: chr4-660567-T-G. GRCh37 (hg19) VCF-style: chr4-654356-T-G.
Other names: NP_000274.3:p.(Met523Arg); c.1568T>G, p.Met523Arg (NM_001145291.2); c.731T>G, p.Met244Arg (NM_001145292.2, NM_001350154.3, NM_001379246.1 and 1 more transcripts); c.413T>G, p.Met138Arg (NM_001350155.3); short protein forms M244R, M523R, M138R.
Identifiers: ClinVar variation 2203490 (VCV002203490.6), dbSNP rs977903615, ClinGen allele CA91087508.

ClinVar aggregate classification (germline): Conflicting classifications of pathogenicity. Review status: criteria provided, conflicting classifications (1 of 4 stars). 2 submissions from 2 submitters: Likely pathogenic (1); Uncertain significance (1). Last evaluated 2024-08-15.

Conditions:
Retinitis pigmentosa (RP). Identifiers: Orphanet 791, MedGen C0035334, MeSH D012174, MONDO:0019200, OMIM 268000. Inheritance: Autosomal dominant, autosomal recessive and X linked inheritance.

Allele frequency attached by ClinVar (database versions not stated): TOPMed below 0.00001.

Submissions (2):

Labcorp Genetics (formerly Invitae), Labcorp
Classification: Uncertain significance. Last evaluated: 2024-08-15. Review status: criteria provided, single submitter. Criteria: Invitae Variant Classification Sherloc (09022015). Collection method: clinical testing. Allele origin: germline.
Comment: This sequence change replaces methionine, which is neutral and non-polar, with arginine, which is basic and polar, at codon 523 of the PDE6B protein (p.Met523Arg). This variant is not present in population databases (gnomAD no frequency). This missense change has been observed in individual(s) with retinitis pigmentosa (PMID: 24339724, 36909829). ClinVar contains an entry for this variant (Variation ID: 2203490). Invitae Evidence Modeling of protein sequence and biophysical properties (such as structural, functional, and spatial information, amino acid conservation, physicochemical variation, residue mobility, and thermodynamic stability) has been performed for this missense variant. However, the output from this modeling did not meet the statistical confidence thresholds required to predict the impact of this variant on PDE6B protein function. Algorithms developed to predict the effect of sequence changes on RNA splicing suggest that this variant may disrupt the consensus splice site. In summary, the available evidence is currently insufficient to determine the role of this variant in disease. Therefore, it has been classified as a Variant of Uncertain Significance.

Ophthalmic Genetics Group, Institute of Molecular and Clinical Ophthalmology Basel
Classification: Likely pathogenic for Retinitis pigmentosa. Last evaluated: 2023-07-24. Review status: criteria provided, single submitter. Criteria: ACMG Guidelines, 2015. Collection method: research. Allele origin: germline. Affected: yes. Observed: 1 variant allele.
Comment: Clinical significance based on ACMG v2.0

This variant was classified as Likely pathogenic based on ACMG criteria: PP3, PM2.

Literature cited by the submitters: PubMed 24339724 (cited by Labcorp Genetics (formerly Invitae), Labcorp); PubMed 36909829 (cited by Labcorp Genetics (formerly Invitae), Labcorp and Ophthalmic Genetics Group, Institute of Molecular and Clinical Ophthalmology Basel).